The following is an entry in ClinVar:

ClinVar aggregate classification (germline): Likely pathogenic (1 of 4 stars; one submission).

Submission:

GeneDx
Classification: Likely pathogenic. Last evaluated: 2023-07-21. Review status: criteria provided, single submitter. Criteria: GeneDx Variant Classification Process June 2021. Collection method: clinical testing. Allele origin: germline. Affected: yes.
Comment: Frameshift variant predicted to result in protein truncation or nonsense mediated decay in a gene for which loss of function is a known mechanism of disease; Not observed at significant frequency in large population cohorts (gnomAD); Has not been previously published as pathogenic or benign to our knowledge

NM_020964.3(EPG5):c.5351_5354del (p.Asp1784fs)

Gene: EPG5 (ectopic P-granules 5 autophagy tethering factor; minus strand). Cytogenetic location: 18q12.3.
Variant type: Deletion.
Coding change: c.5351_5354del on transcript NM_020964.3 (MANE Select); coding-DNA positions 5351 to 5354, 4 bases deleted (ATCG; older notation c.5351_5354delATCG).
Protein change: p.Asp1784fs; shifts the reading frame from aspartic acid 1784.
Molecular consequence: frameshift variant.
Genome position (GRCh38, 1-based): chr18:45,882,438-45,882,441, CGAT deleted on the plus strand (ATCG on the coding strand, the reverse complement: EPG5 is on the minus strand); deleting any 4 consecutive bases within chr18:45,882,438-45,882,442 gives the same sequence; the c. name uses the placement nearest the transcript's 3' end. VCF-style (leftmost placement, unchanged base first): chr18-45882437-ACGAT-A. GRCh37 (hg19) VCF-style: chr18-43462402-ACGAT-A.
Other names: c.5351_5354del, p.Asp1784fs (NM_001410858.1, NM_001410859.1); short protein forms D1784fs.
Identifiers: ClinVar variation 2573836 (VCV002573836.1), dbSNP rs2511593052, ClinGen allele CA2580612985.